The following is an entry in ClinVar:

ClinVar aggregate classification (germline): Uncertain significance (1 of 4 stars; one submission).

Conditions:
Neuronal ceroid lipofuscinosis. Also called: Neuronal Ceroid Lipofuscinoses. Identifiers: Orphanet 216, Orphanet 79263, MedGen C0027877, MONDO:0016295. Disease mechanism: loss of function.

Submission:

Labcorp Genetics (formerly Invitae), Labcorp
Classification: Uncertain significance for Neuronal ceroid lipofuscinosis. Last evaluated: 2022-10-26. Review status: criteria provided, single submitter. Criteria: Invitae Variant Classification Sherloc (09022015). Collection method: clinical testing. Allele origin: germline.
Comment: A copy number gain of the genomic region encompassing the full coding sequence of the CLN8 gene has been identified. The boundaries of this event are unknown as they extend beyond the assayed region for this gene and therefore may encompass additional genes. As the precise location of this event is unknown, it may be in tandem or it may be located elsewhere in the genome. This variant has not been reported in the literature in individuals affected with CLN8-related conditions. In summary, the available evidence is currently insufficient to determine the role of this variant in disease. Therefore, it has been classified as a Variant of Uncertain Significance.

NC_000008.10:g.(?_1719221)_(1728733_?)dup

Gene: CLN8 (CLN8 transmembrane ER and ERGIC protein; plus strand). Cytogenetic location: 8p23.3.
Variant type: Duplication.
Identifiers: ClinVar variation 2426499 (VCV002426499.4).